The following is an entry in ClinVar:

NM_005026.5(PIK3CD):c.292G>A (p.Val98Ile)

Gene: PIK3CD (phosphatidylinositol-4,5-bisphosphate 3-kinase catalytic subunit delta; plus strand). Cytogenetic location: 1p36.22.
Variant type: single nucleotide variant.
Coding change: c.292G>A on transcript NM_005026.5 (MANE Select); coding-DNA position 292, G replaced by A.
Protein change: p.Val98Ile; replaces valine 98 with isoleucine.
Molecular consequence: missense variant.
Genome position (GRCh38, 1-based): chr1:9,715,691, G>A. VCF-style: chr1-9715691-G-A. GRCh37 (hg19) VCF-style: chr1-9775749-G-A.
Other names: c.292G>A, p.Val98Ile (NM_001350234.2, NM_001350235.1); short protein forms V98I.
Identifiers: ClinVar variation 2443207 (VCV002443207.2), dbSNP rs150205370, ClinGen allele CA576823.

ClinVar aggregate classification (germline): Uncertain significance (0 of 4 stars; one submission).

Allele frequency attached by ClinVar (database versions not stated): ExAC 0.00001; gnomAD 0.00001; TOPMed 0.00002; ESP Exome Variant Server 0.00008.

Submission:

Genetic Services Laboratory, University of Chicago
Classification: Uncertain significance. Last evaluated: 2022-07-22. Review status: no assertion criteria provided. Collection method: clinical testing. Allele origin: germline. Affected: no.
Comment: DNA sequence analysis of the PIK3CD gene demonstrated a sequence change, c.292G>A, in exon 4 that results in an amino acid change, p.Val98Ile. This sequence change does not appear to have been previously described in individuals with PIK3CD-related disorders. This sequence change has been described in the gnomAD database in one individual which corresponds to a population frequency of 0.0004% (dbSNP rs150205370). The p.Val98Ile change affects a moderately conserved amino acid residue located in a domain of the PIK3CD protein that is known to be functional. The p.Val98Ile substitution appears to be benign using several in-silico pathogenicity prediction tools (SIFT, PolyPhen2, Align GVGD, REVEL). Due to insufficient evidences and the lack of functional studies, the clinical significance of the p.Val98Ile change remains unknown at this time.